The following is an entry in ClinVar:

NM_000127.3(EXT1):c.2065del (p.Ala689fs)

Gene: EXT1 (exostosin glycosyltransferase 1; minus strand). Cytogenetic location: 8q24.11.
Variant type: Deletion.
Coding change: c.2065del on transcript NM_000127.3 (MANE Select); coding-DNA position 2065, one base deleted (G; older notation c.2065delG).
Protein change: p.Ala689fs; shifts the reading frame from alanine 689.
Molecular consequence: frameshift variant.
Genome position (GRCh38, 1-based): chr8:117,799,888, C deleted on the plus strand (G on the coding strand, the reverse complement: EXT1 is on the minus strand); the first of 3 consecutive C bases (chr8:117,799,888-117,799,890); deleting any one gives the same sequence. VCF-style (leftmost placement, unchanged base first): chr8-117799887-GC-G. GRCh37 (hg19) VCF-style: chr8-118812126-GC-G.
Other names: short protein forms A689fs.
Identifiers: ClinVar variation 4713230 (VCV004713230.1).

ClinVar aggregate classification (germline): Pathogenic (1 of 4 stars; one submission).

Conditions:
Multiple congenital exostosis (EXT). Also called: MULTIPLE CARTILAGINOUS EXOSTOSES; Hereditary multiple exostoses; Hereditary multiple exostosis; Hereditary multiple osteochondromas; Multiple osteochondromas; Multiple exostoses. Identifiers: Orphanet 321, MedGen C0015306, MONDO:0005508, HP:0002762.

Submission:

Labcorp Genetics (formerly Invitae), Labcorp
Classification: Pathogenic for Multiple congenital exostosis. Last evaluated: 2025-02-16. Review status: criteria provided, single submitter. Criteria: Invitae Variant Classification Sherloc (09022015). Collection method: clinical testing. Allele origin: germline.
Comment: This sequence change creates a premature translational stop signal (p.Ala689Leufs*17) in the EXT1 gene. While this is not anticipated to result in nonsense mediated decay, it is expected to disrupt the last 58 amino acid(s) of the EXT1 protein. This variant is not present in population databases (gnomAD no frequency). This variant has not been reported in the literature in individuals affected with EXT1-related conditions. This variant disrupts a region of the EXT1 protein in which other variant(s) (p.Trp711*) have been determined to be pathogenic (PMID: 29620724; internal data). This suggests that this is a clinically significant region of the protein, and that variants that disrupt it are likely to be disease-causing. For these reasons, this variant has been classified as Pathogenic.

Literature cited by the submitters: PubMed 29620724.